The following is an entry in ClinVar:

ClinVar aggregate classification (germline): Uncertain significance (1 of 4 stars; one submission).

Conditions:
Imerslund-Grasbeck syndrome. Also called: ENTEROCYTE COBALAMIN MALABSORPTION; ENTEROCYTE INTRINSIC FACTOR RECEPTOR, DEFECT OF; PERNICIOUS ANEMIA, JUVENILE, DUE TO SELECTIVE INTESTINAL MALABSORPTION OF VITAMIN B12, WITH PROTEINURIA; Megaloblastic anemia due to inborn errors of metabolism; Imerslund-Gräsbeck syndrome. Identifiers: Orphanet 35858, MedGen C4551825, MONDO:0009853.

gnomAD v4.1: 4 of 1,610,080 alleles (0.00025%); highest among the groups gnomAD compares: Non-Finnish European, 0.00034%; no homozygotes.

Submission:

Labcorp Genetics (formerly Invitae), Labcorp
Classification: Uncertain significance for Imerslund-Grasbeck syndrome. Last evaluated: 2022-01-15. Review status: criteria provided, single submitter. Criteria: Invitae Variant Classification Sherloc (09022015). Collection method: clinical testing. Allele origin: germline.
Comment: This sequence change replaces leucine, which is neutral and non-polar, with phenylalanine, which is neutral and non-polar, at codon 648 of the CUBN protein (p.Leu648Phe). In summary, the available evidence is currently insufficient to determine the role of this variant in disease. Therefore, it has been classified as a Variant of Uncertain Significance. This variant is not present in population databases (gnomAD no frequency). This variant has not been reported in the literature in individuals affected with CUBN-related conditions. Algorithms developed to predict the effect of missense changes on protein structure and function are either unavailable or do not agree on the potential impact of this missense change (SIFT: "Deleterious"; PolyPhen-2: "Probably Damaging"; Align-GVGD: "Class C0").

NM_001081.4(CUBN):c.1942C>T (p.Leu648Phe)

Gene: CUBN (cubilin; minus strand). Cytogenetic location: 10p13.
Variant type: single nucleotide variant.
Coding change: c.1942C>T on transcript NM_001081.4 (MANE Select); coding-DNA position 1942, C replaced by T.
Protein change: p.Leu648Phe; replaces leucine 648 with phenylalanine.
Molecular consequence: missense variant.
Genome position (GRCh38, 1-based): chr10:17,088,169, G>A on the plus strand (C>T on the coding strand, the complement: CUBN is on the minus strand). VCF-style: chr10-17088169-G-A. GRCh37 (hg19) VCF-style: chr10-17130168-G-A.
Other names: short protein forms L648F.
Identifiers: ClinVar variation 1429697 (VCV001429697.6), dbSNP rs2131869310, ClinGen allele CA376151941.